The following is an entry in ClinVar:

ClinVar aggregate classification (germline): Pathogenic/Likely pathogenic. Review status: criteria provided, multiple submitters, no conflicts (2 of 4 stars). 3 submissions from 3 submitters: Pathogenic (2); Likely pathogenic (1). Last evaluated 2023-11-13.

Conditions:
Familial cancer of breast. Also called: BREAST CANCER, FAMILIAL; Hereditary breast cancer; hereditary breast carcinoma. Identifiers: Orphanet 227535, MedGen C0346153, MONDO:0016419, OMIM 114480. Disease mechanism: loss of function.
Ataxia-telangiectasia syndrome (AT). Also called: Ataxia-telangiectasia; LOUIS-BAR SYNDROME; Ataxia-telangiectasia, complementation group D; AT, COMPLEMENTATION GROUP C; ATAXIA-TELANGIECTASIA, COMPLEMENTATION GROUP A; ATAXIA-TELANGIECTASIA, FRESNO VARIANT. Identifiers: Orphanet 100, MedGen C0004135, MONDO:0008840, OMIM 208900.
Hereditary cancer-predisposing syndrome. Also called: Tumor predisposition; Neoplastic Syndromes, Hereditary; Hereditary Cancer Syndrome; Hereditary neoplastic syndrome. Identifiers: Orphanet 140162, MedGen C0027672, MeSH D009386, MONDO:0015356.

Submissions (3):

Ambry Genetics
Classification: Pathogenic for Hereditary cancer-predisposing syndrome. Last evaluated: 2023-11-13. Review status: criteria provided, single submitter. Criteria: Ambry Variant Classification Scheme 2023. Collection method: clinical testing. Allele origin: germline.
Comment: The c.6184dupG pathogenic mutation, located in coding exon 41 of the ATM gene, results from a duplication of G at nucleotide position 6184, causing a translational frameshift with a predicted alternate stop codon (p.A2062Gfs*26). This variant is considered to be rare based on population cohorts in the Genome Aggregation Database (gnomAD). This alteration is expected to result in loss of function by premature protein truncation or nonsense-mediated mRNA decay. As such, this alteration is interpreted as a disease-causing mutation.

Baylor Genetics
Classification: Likely pathogenic for Familial cancer of breast. Last evaluated: 2023-06-28. Review status: criteria provided, single submitter. Criteria: ACMG Guidelines, 2015. Collection method: clinical testing. Allele origin: unknown.

Labcorp Genetics (formerly Invitae), Labcorp
Classification: Pathogenic for Ataxia-telangiectasia syndrome. Last evaluated: 2022-01-26. Review status: criteria provided, single submitter. Criteria: Invitae Variant Classification Sherloc (09022015). Collection method: clinical testing. Allele origin: germline.
Comment: This sequence change creates a premature translational stop signal (p.Ala2062Glyfs*26) in the ATM gene. It is expected to result in an absent or disrupted protein product. Loss-of-function variants in ATM are known to be pathogenic (PMID: 23807571, 25614872). This variant is not present in population databases (gnomAD no frequency). This variant has not been reported in the literature in individuals affected with ATM-related conditions. For these reasons, this variant has been classified as Pathogenic.

Literature cited by the submitters: PubMed 23807571 (cited by Labcorp Genetics (formerly Invitae), Labcorp); PubMed 25614872 (cited by Labcorp Genetics (formerly Invitae), Labcorp).

NM_000051.4(ATM):c.6184dup (p.Ala2062fs)

Genes: ATM (ATM serine/threonine kinase; plus strand), C11orf65 (chromosome 11 open reading frame 65; minus strand). Cytogenetic location: 11q22.3.
Variant type: Duplication.
Coding change: c.6184dup on transcript NM_000051.4 (MANE Select); coding-DNA position 6184, one base duplicated (G; older notation c.6184dupG).
Protein change: p.Ala2062fs; shifts the reading frame from alanine 2062.
Molecular consequence: frameshift variant. On other transcripts: intron variant (2).
Genome position (GRCh38, 1-based): chr11:108,316,099, G duplicated; the last of 2 consecutive G bases (chr11:108,316,098-108,316,099); duplicating either gives the same sequence. VCF-style (leftmost placement, unchanged base first): chr11-108316097-A-AG. GRCh37 (hg19) VCF-style: chr11-108186824-A-AG.
Other names: c.6184dupG (NM_000051.3); c.6184dup, p.Ala2062fs (NM_001351834.2); c.641-7027dup (NM_001330368.2); c.*39-7027dup (NM_001351110.2); short protein forms A2062fs.
Identifiers: ClinVar variation 1456948 (VCV001456948.9), dbSNP rs2136131958, ClinGen allele CA2573146610.